The following is an entry in ClinVar:

ClinVar aggregate classification (germline): Pathogenic. Review status: criteria provided, multiple submitters, no conflicts (2 of 4 stars). 3 submissions from 3 submitters: Pathogenic (3). Last evaluated 2022-12-04.

Conditions:
Inborn genetic diseases. Identifiers: MedGen C0950123, MeSH D030342.
Early-infantile DEE. Also called: Early infantile epileptic encephalopathy with suppression bursts; Early infantile epileptic encephalopathy; Ohtahara syndrome. Identifiers: Orphanet 1934, MedGen C0393706, MONDO:0800491.

Submissions (3):

Labcorp Genetics (formerly Invitae), Labcorp
Classification: Pathogenic for Early-infantile DEE. Last evaluated: 2022-12-04. Review status: criteria provided, single submitter. Criteria: Invitae Variant Classification Sherloc (09022015). Collection method: clinical testing. Allele origin: germline.
Comment: ClinVar contains an entry for this variant (Variation ID: 1188345). Algorithms developed to predict the effect of sequence changes on RNA splicing suggest that this variant may disrupt the consensus splice site. For these reasons, this variant has been classified as Pathogenic. This sequence change creates a premature translational stop signal (p.Tyr1507*) in the SCN1A gene. It is expected to result in an absent or disrupted protein product. Loss-of-function variants in SCN1A are known to be pathogenic (PMID: 17347258, 18930999). This variant is not present in population databases (gnomAD no frequency). This premature translational stop signal has been observed in individual(s) with SCN1A-related conditions (PMID: 25356970, 26795593).

Ambry Genetics
Classification: Pathogenic for Inborn genetic diseases. Last evaluated: 2019-03-29. Review status: criteria provided, single submitter. Criteria: Ambry Variant Classification Scheme 2023. Collection method: clinical testing. Allele origin: germline.
Comment: The p.Y1507* pathogenic mutation (also known as c.4521C>A), located in coding exon 24 of the SCN1A gene, results from a C to A substitution at nucleotide position 4521. This changes the amino acid from a tyrosine to a stop codon within coding exon 24. This alteration is expected to result in loss of function by premature protein truncation or nonsense-mediated mRNA decay. As such, this alteration is interpreted as a disease-causing mutation.

GeneDx
Classification: Pathogenic. Last evaluated: 2019-03-25. Review status: criteria provided, single submitter. Criteria: GeneDx Variant Classification Process June 2021. Collection method: clinical testing. Allele origin: germline. Affected: yes.
Comment: Nonsense variant predicted to result in protein truncation or nonsense mediated decay in a gene for which loss-of-function is a known mechanism of disease; Not observed in large population cohorts (Lek et al., 2016); Has not been previously published as pathogenic or benign to our knowledge

Literature cited by the submitters: PubMed 17347258 (cited by Labcorp Genetics (formerly Invitae), Labcorp); PubMed 18930999 (cited by Labcorp Genetics (formerly Invitae), Labcorp); PubMed 25356970 (cited by Labcorp Genetics (formerly Invitae), Labcorp); PubMed 26795593 (cited by Labcorp Genetics (formerly Invitae), Labcorp).

NM_001165963.4(SCN1A):c.4521C>A (p.Tyr1507Ter)

Genes: SCN1A (sodium voltage-gated channel alpha subunit 1; minus strand), LOC102724058 (uncharacterized LOC102724058; plus strand). Cytogenetic location: 2q24.3.
Variant type: single nucleotide variant.
Coding change: c.4521C>A on transcript NM_001165963.4 (MANE Select); coding-DNA position 4521, C replaced by A.
Protein change: p.Tyr1507Ter; replaces tyrosine 1507 with a stop codon.
Molecular consequence: nonsense. On other transcripts: non-coding transcript variant (1).
Genome position (GRCh38, 1-based): chr2:165,996,073, G>T on the plus strand (C>A on the coding strand, the complement: SCN1A is on the minus strand). VCF-style: chr2-165996073-G-T. GRCh37 (hg19) VCF-style: chr2-166852583-G-T.
Other names: c.4437C>A, p.Tyr1479Ter (NM_001165964.3, NM_001353957.2, NM_001353958.2); c.4521C>A, p.Tyr1507Ter (NM_001202435.3, NM_001353948.2); c.2079C>A, p.Tyr693Ter (NM_001353961.2); c.4488C>A, p.Tyr1496Ter (NM_006920.6, NM_001353949.2, NM_001353950.2 and 2 more transcripts); c.4485C>A, p.Tyr1495Ter (NM_001353954.2, NM_001353955.2); c.4434C>A, p.Tyr1478Ter (NM_001353960.2); short protein forms Y1478*, Y1479*, Y1495*, Y1496*, Y1507*, Y693*.
Identifiers: ClinVar variation 1188345 (VCV001188345.7), dbSNP rs750997506, ClinGen allele CA349048727.